The following is an entry in ClinVar:

ClinVar aggregate classification (germline): Uncertain significance (1 of 4 stars; one submission).

Conditions:
Familial adenomatous polyposis 1 (FAP1). Also called: POLYPOSIS, ADENOMATOUS INTESTINAL; FAMILIAL ADENOMATOUS POLYPOSIS 1, ATTENUATED. Identifiers: MedGen C2713442, MONDO:0021056, OMIM 175100. Disease mechanism: loss of function.

Allele frequency attached by ClinVar (database versions not stated): gnomAD exomes below 0.00001.
gnomAD v4.1: 2 of 1,614,106 alleles (0.00012%); highest among the groups gnomAD compares: Non-Finnish European, 0.00017%; no homozygotes.

Submission:

Labcorp Genetics (formerly Invitae), Labcorp
Classification: Uncertain significance for Familial adenomatous polyposis 1. Last evaluated: 2022-04-08. Review status: criteria provided, single submitter. Criteria: Invitae Variant Classification Sherloc (09022015). Collection method: clinical testing. Allele origin: germline.
Comment: This sequence change replaces lysine, which is basic and polar, with asparagine, which is neutral and polar, at codon 2734 of the APC protein (p.Lys2734Asn). This variant is not present in population databases (gnomAD no frequency). This variant has not been reported in the literature in individuals affected with APC-related conditions. Algorithms developed to predict the effect of missense changes on protein structure and function are either unavailable or do not agree on the potential impact of this missense change (SIFT: "Deleterious"; PolyPhen-2: "Probably Damaging"; Align-GVGD: "Class C0"). In summary, the available evidence is currently insufficient to determine the role of this variant in disease. Therefore, it has been classified as a Variant of Uncertain Significance.

NM_000038.6(APC):c.8202A>C (p.Lys2734Asn)

Gene: APC (APC regulator of Wnt signaling pathway; plus strand). Cytogenetic location: 5q22.2.
Variant type: single nucleotide variant.
Coding change: c.8202A>C on transcript NM_000038.6 (MANE Select); coding-DNA position 8202, A replaced by C.
Protein change: p.Lys2734Asn; replaces lysine 2734 with asparagine.
Molecular consequence: missense variant.
Genome position (GRCh38, 1-based): chr5:112,843,796, A>C. VCF-style: chr5-112843796-A-C. GRCh37 (hg19) VCF-style: chr5-112179493-A-C.
Other names: c.8202A>C, p.Lys2734Asn (NM_001127510.3, NM_001354895.2, NM_001407450.1); c.8148A>C, p.Lys2716Asn (NM_001127511.3); c.8256A>C, p.Lys2752Asn (NM_001354896.2, NM_001407447.1, NM_001407448.1 and 1 more transcripts); c.8232A>C, p.Lys2744Asn (NM_001354897.2); c.8127A>C, p.Lys2709Asn (NM_001354898.2); c.8118A>C, p.Lys2706Asn (NM_001354899.2); c.8079A>C, p.Lys2693Asn (NM_001354900.2); c.8025A>C, p.Lys2675Asn (NM_001354901.2, NM_001407453.1); and 11 more; short protein forms K2451N, K2608N, K2643N, K2675N, K2693N, K2734N, K2350N, K2574N.
Identifiers: ClinVar variation 2123303 (VCV002123303.4), dbSNP rs2150000909, ClinGen allele CA16039138.